The following is an entry in ClinVar:

NM_001005373.4(LRSAM1):c.392C>T (p.Thr131Ile)

Gene: LRSAM1 (leucine rich repeat and sterile alpha motif containing 1; plus strand). Cytogenetic location: 9q33.3.
Variant type: single nucleotide variant.
Coding change: c.392C>T on transcript NM_001005373.4 (MANE Select); coding-DNA position 392, C replaced by T.
Protein change: p.Thr131Ile; replaces threonine 131 with isoleucine.
Molecular consequence: missense variant. On other transcripts: 5 prime UTR variant (1), non-coding transcript variant (2).
Genome position (GRCh38, 1-based): chr9:127,461,243, C>T. VCF-style: chr9-127461243-C-T. GRCh37 (hg19) VCF-style: chr9-130223522-C-T.
Other names: c.392C>T, p.Thr131Ile (NM_001005374.4, NM_001190723.3, NM_001384142.1 and 2 more transcripts); c.-393C>T (NM_001384144.1); short protein forms T131I.
Identifiers: ClinVar variation 540007 (VCV000540007.14), dbSNP rs772202137, ClinGen allele CA5246529.

ClinVar aggregate classification (germline): Conflicting classifications of pathogenicity. Review status: criteria provided, conflicting classifications (1 of 4 stars). 5 submissions from 5 submitters: Uncertain significance (4); Likely benign (1). Last evaluated 2025-10-22.

Conditions:
LRSAM1-related disorder. Also called: LRSAM1-related condition.
Charcot-Marie-Tooth disease axonal type 2P. Also called: Charcot-Marie-Tooth Neuropathy Type 2G; CHARCOT-MARIE-TOOTH DISEASE, AXONAL, TYPE 2G; CMT 2G; CHARCOT-MARIE-TOOTH NEUROPATHY, TYPE 2P. Identifiers: Orphanet 300319, Orphanet 99941, MedGen C3280797, MONDO:0013753, OMIM 614436.
Charcot-Marie-Tooth disease. Also called: Charcot-Marie-Tooth Hereditary Neuropathy; Charcot-Marie-Tooth Neuropathy. Identifiers: Orphanet 166, MedGen C0007959, MONDO:0015626.

Allele frequency attached by ClinVar (database versions not stated): gnomAD 0.00004; ExAC 0.00005; TOPMed 0.00007.
gnomAD v4.1: 56 of 1,611,774 alleles (0.0035%); highest among the groups gnomAD compares: Non-Finnish European, 0.0045%; no homozygotes.

Submissions (5):

Labcorp Genetics (formerly Invitae), Labcorp
Classification: Uncertain significance for Charcot-Marie-Tooth disease axonal type 2P. Last evaluated: 2025-10-22. Review status: criteria provided, single submitter. Criteria: Invitae Variant Classification Sherloc (09022015). Collection method: clinical testing. Allele origin: germline.
Comment: This sequence change replaces threonine, which is neutral and polar, with isoleucine, which is neutral and non-polar, at codon 131 of the LRSAM1 protein (p.Thr131Ile). This variant is present in population databases (rs772202137, gnomAD 0.009%). This missense change has been observed in individual(s) with Charcot-Marie-Tooth disease (PMID: 32376792). ClinVar contains an entry for this variant (Variation ID: 540007). Invitae Evidence Modeling of protein sequence and biophysical properties (such as structural, functional, and spatial information, amino acid conservation, physicochemical variation, residue mobility, and thermodynamic stability) indicates that this missense variant is not expected to disrupt LRSAM1 protein function with a negative predictive value of 80%. In summary, the available evidence is currently insufficient to determine the role of this variant in disease. Therefore, it has been classified as a Variant of Uncertain Significance.

PreventionGenetics, part of Exact Sciences
Classification: Uncertain significance for LRSAM1-related condition. Last evaluated: 2025-10-07. Review status: criteria provided, single submitter. Criteria: ACMG Guidelines, 2015. Collection method: clinical testing. Allele origin: germline.
Comment: The LRSAM1 c.392C>T variant is predicted to result in the amino acid substitution p.Thr131Ile. This variant has been reported as a variant of uncertain significance in an individual from a large cohort study of Charcot-Marie-Tooth disease; however, additional evidence was not provided (Suppl. Table 2, Volodarsky et al. 2021. PubMed ID: 32376792). This variant is reported in 0.0093% of alleles in individuals of European (Non-Finnish) descent in gnomAD. At this time, the clinical significance of this variant is uncertain due to the absence of conclusive functional and genetic evidence.

Blueprint Genetics
Classification: Uncertain significance. Last evaluated: 2023-07-14. Review status: criteria provided, single submitter. Criteria: ACMG Guidelines, 2015. Collection method: clinical testing. Allele origin: germline.

GeneDx
Classification: Likely benign. Last evaluated: 2020-11-11. Review status: criteria provided, single submitter. Criteria: GeneDx Variant Classification Process June 2021. Collection method: clinical testing. Allele origin: germline. Affected: yes.

Molecular Genetics Laboratory, London Health Sciences Centre
Classification: Uncertain significance for Charcot-Marie-Tooth disease. Review status: criteria provided, single submitter. Criteria: ACMG Guidelines, 2015. Collection method: clinical testing. Allele origin: germline. Affected: yes.

Literature cited by the submitters: PubMed 32376792 (cited by Labcorp Genetics (formerly Invitae), Labcorp).